The following is an entry in ClinVar:

ClinVar aggregate classification (germline): Uncertain significance (1 of 4 stars; one submission).

gnomAD v4.1: 1 of 1,614,232 alleles (0.000062%); highest among the groups gnomAD compares: South Asian, 0.0011%; no homozygotes.

Submission:

Labcorp Genetics (formerly Invitae), Labcorp
Classification: Uncertain significance. Last evaluated: 2024-12-24. Review status: criteria provided, single submitter. Criteria: Invitae Variant Classification Sherloc (09022015). Collection method: clinical testing. Allele origin: germline.
Comment: This sequence change replaces lysine, which is basic and polar, with glutamine, which is neutral and polar, at codon 832 of the MYH3 protein (p.Lys832Gln). This variant is not present in population databases (gnomAD no frequency). This variant has not been reported in the literature in individuals affected with MYH3-related conditions. Invitae Evidence Modeling of protein sequence and biophysical properties (such as structural, functional, and spatial information, amino acid conservation, physicochemical variation, residue mobility, and thermodynamic stability) indicates that this missense variant is not expected to disrupt MYH3 protein function with a negative predictive value of 95%. In summary, the available evidence is currently insufficient to determine the role of this variant in disease. Therefore, it has been classified as a Variant of Uncertain Significance.

NM_002470.4(MYH3):c.2494A>C (p.Lys832Gln)

Gene: MYH3 (myosin heavy chain 3; minus strand). Cytogenetic location: 17p13.1.
Variant type: single nucleotide variant.
Coding change: c.2494A>C on transcript NM_002470.4 (MANE Select); coding-DNA position 2494, A replaced by C.
Protein change: p.Lys832Gln; replaces lysine 832 with glutamine.
Molecular consequence: missense variant.
Genome position (GRCh38, 1-based): chr17:10,640,184, T>G on the plus strand (A>C on the coding strand, the complement: MYH3 is on the minus strand). VCF-style: chr17-10640184-T-G. GRCh37 (hg19) VCF-style: chr17-10543501-T-G.
Other names: short protein forms K832Q.
Identifiers: ClinVar variation 3619924 (VCV003619924.2).
Genomic context (GRCh38, chr17:10,640,184, plus strand): 5'-TGGCCATCTCTTTCTCAGTCTCTGCACTCTTGAGGAGGGGCTTGATCTTGAAGAAGAGTT[T>G]CATCCAGGGCCAGTGCTTGACGTTCATGAATGAGCGAATGTTGTACTGGATGCAGAAGAT-3'
Protein context (NP_002461.2, residues 822-842): FMNVKHWPWM[Lys832Gln]LFFKIKPLLK